The following is an entry in ClinVar:

NM_175914.5(HNF4A):c.100del (p.Val34fs)

Gene: HNF4A (hepatocyte nuclear factor 4 alpha; plus strand). Cytogenetic location: 20q13.12.
Variant type: Deletion.
Coding change: c.100del on transcript NM_175914.5 (MANE Select); coding-DNA position 100, one base deleted (G; older notation c.100delG).
Protein change: p.Val34fs; shifts the reading frame from valine 34.
Molecular consequence: frameshift variant.
Genome position (GRCh38, 1-based): chr20:44,406,108, G deleted. VCF-style (leftmost placement, unchanged base first): chr20-44406107-TG-T. GRCh37 (hg19) VCF-style: chr20-43034747-TG-T.
Other names: NM_175914.5(HNF4A):c.100del; p.Val34fs; c.166del, p.Val56fs (NM_000457.6, NM_178849.3, NM_178850.3); c.100del, p.Val34fs (NM_001030003.3, NM_001030004.3); c.145del, p.Val49fs (NM_001258355.2); c.91del, p.Val31fs (NM_001287182.2, NM_001287183.2, NM_001287184.2); short protein forms V49fs, V31fs, V34fs, V56fs.
Identifiers: ClinVar variation 524154 (VCV000524154.4), dbSNP rs1555813267, ClinGen allele CA658799362.

ClinVar aggregate classification (germline): Likely pathogenic. Review status: reviewed by expert panel (3 of 4 stars). 3 submissions from 3 submitters: Likely pathogenic (1). 2 of the submissions do not count toward it. Last evaluated 2024-04-05.

Conditions:
Monogenic diabetes. Identifiers: Orphanet 183625, MedGen C3888631, MONDO:0015967.
Maturity-onset diabetes of the young (MODY). Also called: Maturity onset diabetes mellitus in young. Identifiers: Orphanet 552, MedGen C0342276, MONDO:0018911, HP:0004904.

Submissions (3):

ClinGen Monogenic Diabetes Variant Curation Expert Panel
Classification: Likely pathogenic for Monogenic diabetes. Last evaluated: 2024-04-05. Review status: reviewed by expert panel. Criteria: ClinGen Diabetes ACMG Specifications HNF4A V2.0.0. Collection method: curation. Allele origin: germline. Inheritance: Autosomal dominant inheritance.
Comment: The c.100delG variant in the hepatocyte nuclear factor 4-alpha gene, HNF4A, causes a frameshift in the protein at codon 34 of NM_175914.5, adding 70 novel amino acids before encountering a stop codon (p.(Val34SerfsTer70)). This variant, located in biologically-relevant exon 2 of 10, is predicted to lead to nonsense mediated decay in a gene in which loss-of-function is an established disease mechanism (PVS1; PMID: 23348805). This variant is absent in gnomAD v2.1.1 (PM2_Supporting). This variant was identified in an individual with diabetes; however, the MODY probability is unable to be calculated due to lack of clinical information and PS4_Moderate cannot be applied because this number is below the ClinGen MDEP threshold (internal lab contributor; ClinVar ID: 524154). In summary, c.100delG meets the criteria to be classified as likely pathogenic for monogenic diabetes. ACMG/AMP criteria applied, as specified by the ClinGen MDEP (specification version 2.0.0, approved 10/11/2023): PVS1, PM2_Supporting.

GeneDx
Classification: Pathogenic. Last evaluated: 2018-05-09. Review status: criteria provided, single submitter. Criteria: GeneDx Variant Classification (06012015). Collection method: clinical testing. Allele origin: germline. Affected: yes. Not counted in ClinVar's aggregate classification.
Comment: The c.100delG variant has not been published as a pathogenic variant, nor has it been reported as a benign variant to our knowledge. The variant is not observed in large population cohorts (Lek et al., 2016). The variant causes a frameshift starting with codon Valine 34, changes this amino acid to a Serine residue and creates a premature Stop codon at position 70 of the new reading frame, denoted p.Val34SerfsX70. This variant is predicted to cause loss of normal protein function either through protein truncation or nonsense-mediated mRNA decay. In summary, we consider this variant to be pathogenic.

Clinical Genomics, Uppaluri K&H Personalized Medicine Clinic
Classification: Uncertain risk allele for Maturity-onset diabetes of the young. Review status: criteria provided, single submitter. Criteria: K & H Uppaluri Personalized Medicine Clinic Variant Classification & Assertion Criteria_Updated V.1. Collection method: research. Allele origin: unknown. Inheritance: Autosomal dominant inheritance. Not counted in ClinVar's aggregate classification.
Comment: Potent mutations in HNF4A are associated with poor insulin secretion in response to hyperglycemia. Associated with MODY1. Patients initially respond well to sulfonylureas but eventually become insulin dependent. However, more evidence is required to ascertain the role of this particular variant rs1555813267 in MODY, yet.

Literature cited by the submitters: DOI 10.1159/000334532 (cited by Clinical Genomics, Uppaluri K&H Personalized Medicine Clinic); PubMed 18268044 (cited by Clinical Genomics, Uppaluri K&H Personalized Medicine Clinic); PubMed 17563455 (cited by Clinical Genomics, Uppaluri K&H Personalized Medicine Clinic); PubMed 32583173 (cited by Clinical Genomics, Uppaluri K&H Personalized Medicine Clinic); PubMed 35052457 (cited by Clinical Genomics, Uppaluri K&H Personalized Medicine Clinic); PubMed 35118593 (cited by Clinical Genomics, Uppaluri K&H Personalized Medicine Clinic).